The following is an entry in ClinVar:

ClinVar aggregate classification (germline): Uncertain significance (1 of 4 stars; one submission).

gnomAD v4.1: 3 of 1,613,904 alleles (0.00019%); highest among the groups gnomAD compares: Non-Finnish European, 0.00025%; no homozygotes.

Submission:

Labcorp Genetics (formerly Invitae), Labcorp
Classification: Uncertain significance. Last evaluated: 2024-04-05. Review status: criteria provided, single submitter. Criteria: Invitae Variant Classification Sherloc (09022015). Collection method: clinical testing. Allele origin: germline.
Comment: This sequence change replaces asparagine, which is neutral and polar, with tyrosine, which is neutral and polar, at codon 120 of the ABRAXAS1 protein (p.Asn120Tyr). This variant is not present in population databases (gnomAD no frequency). This variant has not been reported in the literature in individuals affected with ABRAXAS1-related conditions. Advanced modeling of protein sequence and biophysical properties (such as structural, functional, and spatial information, amino acid conservation, physicochemical variation, residue mobility, and thermodynamic stability) performed at Invitae indicates that this missense variant is expected to disrupt ABRAXAS1 protein function with a positive predictive value of 80%. In summary, the available evidence is currently insufficient to determine the role of this variant in disease. Therefore, it has been classified as a Variant of Uncertain Significance.

NM_139076.3(ABRAXAS1):c.358A>T (p.Asn120Tyr)

Gene: ABRAXAS1 (abraxas 1, BRCA1 A complex subunit; minus strand). Cytogenetic location: 4q21.23.
Variant type: single nucleotide variant.
Coding change: c.358A>T on transcript NM_139076.3 (MANE Select); coding-DNA position 358, A replaced by T.
Protein change: p.Asn120Tyr; replaces asparagine 120 with tyrosine.
Molecular consequence: missense variant.
Genome position (GRCh38, 1-based): chr4:83,470,321, T>A on the plus strand (A>T on the coding strand, the complement: ABRAXAS1 is on the minus strand). VCF-style: chr4-83470321-T-A. GRCh37 (hg19) VCF-style: chr4-84391474-T-A.
Other names: c.31A>T, p.Asn11Tyr (NM_001345962.2); short protein forms N11Y, N120Y.
Identifiers: ClinVar variation 3605200 (VCV003605200.2).